The following is an entry in ClinVar:

NM_030943.4(AMN):c.1064G>A (p.Gly355Asp)

Genes: AMN (amnion associated transmembrane protein; plus strand), LOC130056554 (ATAC-STARR-seq lymphoblastoid silent region 6136; plus strand). Cytogenetic location: 14q32.32.
Variant type: single nucleotide variant.
Coding change: c.1064G>A on transcript NM_030943.4 (MANE Select); coding-DNA position 1064, G replaced by A.
Protein change: p.Gly355Asp; replaces glycine 355 with aspartic acid.
Molecular consequence: missense variant.
Genome position (GRCh38, 1-based): chr14:102,930,222, G>A. VCF-style: chr14-102930222-G-A. GRCh37 (hg19) VCF-style: chr14-103396559-G-A.
Other names: short protein forms G355D.
Identifiers: ClinVar variation 856744 (VCV000856744.10), dbSNP rs1034430613, ClinGen allele CA267175520.
Genomic context (GRCh38, chr14:102,930,222, plus strand): 5'-CAGGCGAGGCCCTCGGCGTCCTGGAGGCGACCATGCGGGAGTCGGGCGCACACGTCTGGG[G>A]CAGCTCCGCGGCTGGGCTGGCGGGCGGCGTGGCGGCTGCCGTGCTGCTGGCGCTGCTGGT-3'
Protein context (NP_112205.2, residues 345-365): TMRESGAHVW[Gly355Asp]SSAAGLAGGV

ClinVar aggregate classification (germline): Uncertain significance (1 of 4 stars; one submission).

Conditions:
Imerslund-Grasbeck syndrome. Also called: PERNICIOUS ANEMIA, JUVENILE, DUE TO SELECTIVE INTESTINAL MALABSORPTION OF VITAMIN B12, WITH PROTEINURIA; ENTEROCYTE COBALAMIN MALABSORPTION; ENTEROCYTE INTRINSIC FACTOR RECEPTOR, DEFECT OF; Imerslund-Gräsbeck syndrome; Megaloblastic anemia due to inborn errors of metabolism. Identifiers: Orphanet 35858, MedGen C4551825, MONDO:0009853.

Allele frequency attached by ClinVar (database versions not stated): TOPMed below 0.00001; gnomAD 0.00001.

Submission:

Labcorp Genetics (formerly Invitae), Labcorp
Classification: Uncertain significance for Imerslund-Grasbeck syndrome. Last evaluated: 2019-12-15. Review status: criteria provided, single submitter. Criteria: Invitae Variant Classification Sherloc (09022015). Collection method: clinical testing. Allele origin: germline.
Comment: In summary, the available evidence is currently insufficient to determine the role of this variant in disease. Therefore, it has been classified as a Variant of Uncertain Significance. Algorithms developed to predict the effect of missense changes on protein structure and function output the following: SIFT: "Tolerated"; PolyPhen-2: "Benign"; Align-GVGD: "Class C0". The aspartic acid amino acid residue is found in multiple mammalian species, suggesting that this missense change does not adversely affect protein function. These predictions have not been confirmed by published functional studies and their clinical significance is uncertain. This variant has not been reported in the literature in individuals with AMN-related conditions. The frequency data for this variant in the population databases is considered unreliable, as metrics indicate insufficient coverage at this position in the ExAC database. This sequence change replaces glycine with aspartic acid at codon 355 of the AMN protein (p.Gly355Asp). The glycine residue is weakly conserved and there is a moderate physicochemical difference between glycine and aspartic acid.